The following is an entry in ClinVar:

ClinVar aggregate classification (germline): Uncertain significance (1 of 4 stars; one submission).

Conditions:
Chuvash polycythemia. Also called: POLYCYTHEMIA, VHL-DEPENDENT. Identifiers: Orphanet 238557, MedGen C1837915, MONDO:0009892, OMIM 263400.
Von Hippel-Lindau syndrome (VHLS). Also called: von Hippel–Lindau syndrome; VHL syndrome; Von Hippel-Lindau. Identifiers: Orphanet 892, MedGen C0019562, MONDO:0008667, OMIM 193300. Disease mechanism: loss of function.

Submission:

Labcorp Genetics (formerly Invitae), Labcorp
Classification: Uncertain significance for Von Hippel-Lindau syndrome; Chuvash polycythemia. Last evaluated: 2022-11-14. Review status: criteria provided, single submitter. Criteria: Invitae Variant Classification Sherloc (09022015). Collection method: clinical testing. Allele origin: germline.
Comment: In summary, the available evidence is currently insufficient to determine the role of this variant in disease. Therefore, it has been classified as a Variant of Uncertain Significance. This sequence change falls in intron 1 of the VHL gene. It is not expected to change the encoded amino acid sequence of the VHL protein. However, this sequence change falls within a cryptic exon in the VHL gene, known as exon E1’, which is naturally expressed at low levels in several human tissues (PMID: 29891534). This variant is not present in population databases (gnomAD no frequency). This variant has been observed in individual(s) with multiple hemangioblastomas (Invitae). Algorithms developed to predict the effect of sequence changes on RNA splicing suggest that this variant may create or strengthen a splice site.

Literature cited by the submitters: PubMed 29891534.

NM_000551.4(VHL):c.340+751G>C

Genes: VHL (von Hippel-Lindau tumor suppressor; plus strand), LOC107303340 (3p25 von Hippel-Lindau tumor suppressor, E3 ubiquitin protein ligase Alu-mediated recombination region; plus strand). Cytogenetic location: 3p25.3.
Variant type: single nucleotide variant.
Coding change: c.340+751G>C on transcript NM_000551.4 (MANE Select); 751 bases into the intron after coding-DNA position 340, G replaced by C.
Molecular consequence: intron variant. On other transcripts: missense variant (1), non-coding transcript variant (1).
Genome position (GRCh38, 1-based): chr3:10,142,938, G>C. VCF-style: chr3-10142938-G-C. GRCh37 (hg19) VCF-style: chr3-10184622-G-C.
Other names: c.516G>C, p.Arg172Ser (NM_001354723.2); c.340+751G>C (NM_198156.3); short protein forms R172S.
Identifiers: ClinVar variation 2941549 (VCV002941549.3), dbSNP rs1696162976, ClinGen allele CA2740090924.